The following is an entry in ClinVar:

ClinVar aggregate classification (germline): Conflicting classifications of pathogenicity. Review status: criteria provided, conflicting classifications (1 of 4 stars). 2 submissions from 2 submitters: Likely pathogenic (1); Uncertain significance (1). Last evaluated 2025-08-11.

Conditions:
Cataract 13 with adult I phenotype. Identifiers: Orphanet 91492, MedGen C3805373, MONDO:0007289, OMIM 116700.

Allele frequency attached by ClinVar (database versions not stated): TOPMed 0.00001; gnomAD 0.00001.
gnomAD v4.1: 6 of 1,613,972 alleles (0.00037%); highest among the groups gnomAD compares: Admixed American, 0.0017%; no homozygotes.

Submissions (2):

Dasa
Classification: Likely pathogenic. Last evaluated: 2025-08-11. Review status: criteria provided, single submitter. Criteria: DASA Assertion Criteria. Collection method: clinical testing. Allele origin: germline.
Comment: NM_145649.5(GCNT2):c.558T>G (p.Tyr186*) is a nonsense variant in GCNT2 predicted to introduce a premature termination codon and is predicted to result in an absent or altered protein product. Loss of function is an established disease mechanism for GCNT2-associated disorders. Also, this variant is rare in population databases. Based on the currently available evidence, this variant is classified as likely pathogenic.

Laboratorio de Genetica e Diagnostico Molecular, Hospital Israelita Albert Einstein
Classification: Uncertain significance for Cataract 13 with adult I phenotype. Last evaluated: 2022-02-08. Review status: criteria provided, single submitter. Criteria: ACMG Guidelines, 2015. Collection method: clinical testing. Allele origin: germline. Affected: yes.

NM_145649.5(GCNT2):c.558T>G (p.Tyr186Ter)

Gene: GCNT2 (glucosaminyl (N-acetyl) transferase 2 (I blood group); plus strand). Cytogenetic location: 6p24.3.
Variant type: single nucleotide variant.
Coding change: c.558T>G on transcript NM_145649.5 (MANE Select); coding-DNA position 558, T replaced by G.
Protein change: p.Tyr186Ter; replaces tyrosine 186 with a stop codon.
Molecular consequence: nonsense.
Genome position (GRCh38, 1-based): chr6:10,529,469, T>G. VCF-style: chr6-10529469-T-G. GRCh37 (hg19) VCF-style: chr6-10529702-T-G.
Other names: c.558T>G, p.Tyr186Ter (NM_001374747.1); short protein forms Y186*.
Identifiers: ClinVar variation 1683746 (VCV001683746.4), dbSNP rs754060575, ClinGen allele CA134064606.